The following is an entry in ClinVar:

NM_033305.3(VPS13A):c.9371A>G (p.His3124Arg)

Gene: VPS13A (vacuolar protein sorting 13 homolog A; plus strand). Cytogenetic location: 9q21.2.
Variant type: single nucleotide variant.
Coding change: c.9371A>G on transcript NM_033305.3 (MANE Select); coding-DNA position 9371, A replaced by G.
Protein change: p.His3124Arg; replaces histidine 3124 with arginine.
Molecular consequence: missense variant.
Genome position (GRCh38, 1-based): chr9:77,405,959, A>G. VCF-style: chr9-77405959-A-G. GRCh37 (hg19) VCF-style: chr9-80020875-A-G.
Other names: c.9254A>G, p.His3085Arg (NM_001018037.2); short protein forms H3085R, H3124R.
Identifiers: ClinVar variation 1810082 (VCV001810082.3), dbSNP rs755859116, ClinGen allele CA5094029.

ClinVar aggregate classification (germline): Uncertain significance. Review status: criteria provided, multiple submitters, no conflicts (2 of 4 stars). 3 submissions from 3 submitters: Uncertain significance (3). Last evaluated 2026-04-30.

Conditions:
Inborn genetic diseases. Identifiers: MedGen C0950123, MeSH D030342.
VPS13A-related neurodegenerative disease. Also called: ACANTHOCYTOSIS WITH NEUROLOGIC DISORDER; LEVINE-CRITCHLEY SYNDROME; Choreoacanthocytosis; Chorea-acanthocytosis; VPS13A Disease; Choreaacanthocytosis. Identifiers: Orphanet 2388, MedGen C0393576, MONDO:0008695, OMIM 200150.

Allele frequency attached by ClinVar (database versions not stated): gnomAD 0.00001; gnomAD exomes 0.00001; TOPMed 0.00001; ExAC 0.00002.
gnomAD v4.1: 18 of 1,613,812 alleles (0.0011%); highest among the groups gnomAD compares: Non-Finnish European, 0.0014%; no homozygotes.

Submissions (3):

Myriad Genetics, Inc.
Classification: Uncertain significance for VPS13A-related neurodegenerative disease. Last evaluated: 2026-04-30. Review status: criteria provided, single submitter. Criteria: Myriad Autosomal Dominant, Autosomal Recessive and X-Linked Classification Criteria (2023). Collection method: clinical testing. Allele origin: unknown.
Comment: NM_033305.2(VPS13A):c.9371A>G(H3124R) is a missense variant classified as a variant of uncertain significance in the context of VPS13A disease. H3124R has not been observed in cases with relevant disease. Relevant functional assessments of this variant are not available in the literature. H3124R has been observed in referenced population frequency databases. In summary, there is insufficient evidence to classify NM_033305.2(VPS13A):c.9371A>G(H3124R) as pathogenic or benign. Please note: this variant was assessed in the context of healthy population screening.

Ambry Genetics
Classification: Uncertain significance for Inborn genetic diseases. Last evaluated: 2025-08-14. Review status: criteria provided, single submitter. Criteria: Ambry Variant Classification Scheme 2023. Collection method: clinical testing. Allele origin: germline.

GeneDx
Classification: Uncertain significance. Last evaluated: 2022-06-29. Review status: criteria provided, single submitter. Criteria: GeneDx Variant Classification Process June 2021. Collection method: clinical testing. Allele origin: germline. Affected: yes.
Comment: Not observed at significant frequency in large population cohorts (gnomAD); In silico analysis supports that this missense variant has a deleterious effect on protein structure/function; Has not been previously published as pathogenic or benign to our knowledge